The following is an entry in ClinVar:

ClinVar aggregate classification (germline): Uncertain significance (1 of 4 stars; one submission).

Conditions:
Hereditary cancer-predisposing syndrome. Also called: Neoplastic Syndromes, Hereditary; Tumor predisposition; Hereditary neoplastic syndrome; Hereditary Cancer Syndrome. Identifiers: Orphanet 140162, MedGen C0027672, MeSH D009386, MONDO:0015356.

Submission:

Ambry Genetics
Classification: Uncertain significance for Hereditary cancer-predisposing syndrome. Last evaluated: 2024-02-02. Review status: criteria provided, single submitter. Criteria: Ambry Variant Classification Scheme 2023. Collection method: clinical testing. Allele origin: germline.
Comment: The p.R172S variant (also known as c.514C>A), located in coding exon 1 of the GREM1 gene, results from a C to A substitution at nucleotide position 514. The arginine at codon 172 is replaced by serine, an amino acid with dissimilar properties. This amino acid position is conserved. In addition, the in silico prediction for this alteration is inconclusive. Based on the available evidence, the clinical significance of this alteration remains unclear.

NM_013372.7(GREM1):c.514C>A (p.Arg172Ser)

Gene: GREM1 (gremlin 1, DAN family BMP antagonist; plus strand). Cytogenetic location: 15q13.3.
Variant type: single nucleotide variant.
Coding change: c.514C>A on transcript NM_013372.7 (MANE Select); coding-DNA position 514, C replaced by A.
Protein change: p.Arg172Ser; replaces arginine 172 with serine.
Molecular consequence: missense variant.
Genome position (GRCh38, 1-based): chr15:32,731,204, C>A. VCF-style: chr15-32731204-C-A. GRCh37 (hg19) VCF-style: chr15-33023405-C-A.
Other names: c.304C>A, p.Arg102Ser (NM_001191322.2); c.391C>A, p.Arg131Ser (NM_001191323.2); c.514C>A, p.Arg172Ser (NM_001368719.1); short protein forms R102S, R131S, R172S.
Identifiers: ClinVar variation 3226275 (VCV003226275.1), dbSNP rs748146251, ClinGen allele CA391558125.
Genomic context (GRCh38, chr15:32,731,204, plus strand): 5'-ATGATGGTCACACTCAACTGCCCTGAACTACAGCCACCTACCAAGAAGAAGAGAGTCACA[C>A]GTGTGAAGCAGTGTCGTTGCATATCCATCGATTTGGATTAAGCCAAATCCAGGTGCACCC-3'
Protein context (NP_037504.1, residues 162-182): QPPTKKKRVT[Arg172Ser]VKQCRCISID